The following is an entry in ClinVar:

NM_006227.4(PLTP):c.529C>T (p.Arg177Cys)

Gene: PLTP (phospholipid transfer protein; minus strand). Cytogenetic location: 20q13.12.
Variant type: single nucleotide variant.
Coding change: c.529C>T on transcript NM_006227.4 (MANE Select); coding-DNA position 529, C replaced by T.
Protein change: p.Arg177Cys; replaces arginine 177 with cysteine.
Molecular consequence: missense variant.
Genome position (GRCh38, 1-based): chr20:45,907,861, G>A on the plus strand (C>T on the coding strand, the complement: PLTP is on the minus strand). VCF-style: chr20-45907861-G-A. GRCh37 (hg19) VCF-style: chr20-44536500-G-A.
Other names: c.244C>T, p.Arg82Cys (NM_001242920.2); c.265C>T, p.Arg89Cys (NM_001242921.1); c.373C>T, p.Arg125Cys (NM_182676.3); c.529C>T (NM_006227.3); short protein forms R177C, R125C, R82C, R89C.
Identifiers: ClinVar variation 1979566 (VCV001979566.6), dbSNP rs375722812, ClinGen allele CA9883842.
Genomic context (GRCh38, chr20:45,907,861, plus strand): 5'-TGCCCACCCTTGCCACCCTGCGACCTGTCGCTGCCCACACCTGCTGGTTGAGGAGGAAGC[G>A]CATCCCTGAGGTGATGAACGTGGAGAGAAAATCATACACCTTCCTGTGAGGAGAGGAGAG-3'
Protein context (NP_006218.1, residues 167-187): FLSTFITSGM[Arg177Cys]FLLNQQICPV

ClinVar aggregate classification (germline): Uncertain significance. Review status: criteria provided, multiple submitters, no conflicts (2 of 4 stars). 2 submissions from 2 submitters: Uncertain significance (2). Last evaluated 2025-08-11.

Allele frequency attached by ClinVar (database versions not stated): gnomAD 0.00001; TOPMed 0.00001; ExAC 0.00003; ESP Exome Variant Server 0.00008.

Submissions (2):

Labcorp Genetics (formerly Invitae), Labcorp
Classification: Uncertain significance. Last evaluated: 2025-08-11. Review status: criteria provided, single submitter. Criteria: Invitae Variant Classification Sherloc (09022015). Collection method: clinical testing. Allele origin: germline.
Comment: This sequence change replaces arginine, which is basic and polar, with cysteine, which is neutral and slightly polar, at codon 177 of the PLTP protein (p.Arg177Cys). The frequency data for this variant in the population databases is considered unreliable, as metrics indicate poor data quality at this position in the gnomAD database. This variant has not been reported in the literature in individuals affected with PLTP-related conditions. ClinVar contains an entry for this variant (Variation ID: 1979566). An algorithm developed to predict the effect of missense changes on protein structure and function (PolyPhen-2) suggests that this variant is likely to be disruptive. In summary, the available evidence is currently insufficient to determine the role of this variant in disease. Therefore, it has been classified as a Variant of Uncertain Significance.

Ambry Genetics
Classification: Uncertain significance. Last evaluated: 2023-06-30. Review status: criteria provided, single submitter. Criteria: Ambry Variant Classification Scheme 2023. Collection method: clinical testing. Allele origin: germline.